The following is an entry in ClinVar:

ClinVar aggregate classification (germline): Uncertain significance. Review status: criteria provided, multiple submitters, no conflicts (2 of 4 stars). 2 submissions from 2 submitters: Uncertain significance (2). Last evaluated 2024-03-24.

Conditions:
Autosomal dominant nonsyndromic hearing loss 65. Also called: Deafness, autosomal dominant 65; TBC1D24-Related Autosomal Dominant Nonsyndromic Hearing Loss (DFNA). Identifiers: Orphanet 90635, MedGen C3892048, MONDO:0014470, OMIM 616044.
Developmental and epileptic encephalopathy, 1 (DEE1). Also called: Epileptic encephalopathy, early infantile, 1; X-linked infantile spasms; West's syndrome; Tonic spasms with clustering, arrest of psychomotor development and hypsarrhythmia on EEG; X-Linked Infantile Spasm Syndrome; OHTAHARA SYNDROME, X-LINKED. Identifiers: MedGen C3463992, MONDO:0010632, OMIM 308350. Disease mechanism: loss of function.
Inborn genetic diseases. Identifiers: MedGen C0950123, MeSH D030342.

Allele frequency attached by ClinVar (database versions not stated): TOPMed below 0.00001; gnomAD 0.00002.
gnomAD v4.1: 5 of 1,608,698 alleles (0.00031%); highest among the groups gnomAD compares: Admixed American, 0.0067%; no homozygotes.

Submissions (2):

Labcorp Genetics (formerly Invitae), Labcorp
Classification: Uncertain significance for Developmental and epileptic encephalopathy, 1; Autosomal dominant nonsyndromic hearing loss 65. Last evaluated: 2024-03-24. Review status: criteria provided, single submitter. Criteria: Invitae Variant Classification Sherloc (09022015). Collection method: clinical testing. Allele origin: germline.
Comment: This sequence change replaces aspartic acid, which is acidic and polar, with glutamic acid, which is acidic and polar, at codon 127 of the TBC1D24 protein (p.Asp127Glu). This variant is not present in population databases (gnomAD no frequency). This variant has not been reported in the literature in individuals affected with TBC1D24-related conditions. ClinVar contains an entry for this variant (Variation ID: 588307). Advanced modeling of protein sequence and biophysical properties (such as structural, functional, and spatial information, amino acid conservation, physicochemical variation, residue mobility, and thermodynamic stability) performed at Invitae indicates that this missense variant is not expected to disrupt TBC1D24 protein function with a negative predictive value of 80%. In summary, the available evidence is currently insufficient to determine the role of this variant in disease. Therefore, it has been classified as a Variant of Uncertain Significance.

Ambry Genetics
Classification: Uncertain significance for Inborn genetic diseases. Last evaluated: 2016-09-30. Review status: criteria provided, single submitter. Criteria: Ambry Variant Classification Scheme 2023. Collection method: clinical testing. Allele origin: germline.
Comment: The p.D127E variant (also known as c.381C>A), located in coding exon 1 of the TBC1D24 gene, results from a C to A substitution at nucleotide position 381. The aspartic acid at codon 127 is replaced by glutamic acid, an amino acid with highly similar properties. This variant was not reported in population based cohorts in the following databases: Database of Single Nucleotide Polymorphisms (dbSNP), NHLBI Exome Sequencing Project (ESP), and 1000 Genomes Project. In the ESP, this variant was not observed in 6372 samples (12744 alleles) with coverage at this position. This amino acid position is highly conserved in available vertebrate species. In addition, this alteration is predicted to be tolerated by in silico analysis. Since supporting evidence is limited at this time, the clinical significance of this variant remains unclear.

NM_001199107.2(TBC1D24):c.381C>A (p.Asp127Glu)

Gene: TBC1D24 (TBC1 domain family member 24; plus strand). Cytogenetic location: 16p13.3.
Variant type: single nucleotide variant.
Coding change: c.381C>A on transcript NM_001199107.2 (MANE Select); coding-DNA position 381, C replaced by A.
Protein change: p.Asp127Glu; replaces aspartic acid 127 with glutamic acid.
Molecular consequence: missense variant.
Genome position (GRCh38, 1-based): chr16:2,496,529, C>A. VCF-style: chr16-2496529-C-A. GRCh37 (hg19) VCF-style: chr16-2546530-C-A.
Other names: c.381C>A, p.Asp127Glu (NM_020705.3); short protein forms D127E.
Identifiers: ClinVar variation 588307 (VCV000588307.15), dbSNP rs1376844321, ClinGen allele CA394375747.